The following is an entry in ClinVar:

ClinVar aggregate classification (germline): Likely pathogenic (1 of 4 stars; one submission).

Conditions:
Short-rib thoracic dysplasia 6 with or without polydactyly (SRTD6). Also called: SHORT-RIB THORACIC DYSPLASIA 6 WITH POLYDACTYLY; SHORT-RIB THORACIC DYSPLASIA 6 WITHOUT POLYDACTYLY; SHORT RIB-POLYDACTYLY SYNDROME, TYPE IIA; Majewski Syndrome; POLYDACTYLY WITH NEONATAL CHONDRODYSTROPHY, TYPE II. Identifiers: MedGen C0024507, MONDO:0009894, OMIM 263520.

Allele frequency attached by ClinVar (database versions not stated): TOPMed 0.00004; gnomAD 0.00001.
gnomAD v4.1: 3 of 1,613,652 alleles (0.00019%); highest among the groups gnomAD compares: Admixed American, 0.005%; no homozygotes.

Submission:

Labcorp Genetics (formerly Invitae), Labcorp
Classification: Likely pathogenic for Short-rib thoracic dysplasia 6 with or without polydactyly. Last evaluated: 2022-06-17. Review status: criteria provided, single submitter. Criteria: Invitae Variant Classification Sherloc (09022015). Collection method: clinical testing. Allele origin: germline.
Comment: Algorithms developed to predict the effect of sequence changes on RNA splicing suggest that this variant may disrupt the consensus splice site. This variant has not been reported in the literature in individuals affected with NEK1-related conditions. This variant is present in population databases (no rsID available, gnomAD 0.003%). This sequence change affects a donor splice site in intron 17 of the NEK1 gene. It is expected to disrupt RNA splicing. Variants that disrupt the donor or acceptor splice site typically lead to a loss of protein function (PMID: 16199547), and loss-of-function variants in NEK1 are known to be pathogenic (PMID: 22499340, 29068549). In summary, the currently available evidence indicates that the variant is pathogenic, but additional data are needed to prove that conclusively. Therefore, this variant has been classified as Likely Pathogenic.

Literature cited by the submitters: PubMed 16199547; PubMed 22499340; PubMed 29068549.

NM_001199397.3(NEK1):c.1562+2T>G

Gene: NEK1 (NIMA related kinase 1; minus strand). Cytogenetic location: 4q33.
Variant type: single nucleotide variant.
Coding change: c.1562+2T>G on transcript NM_001199397.3 (MANE Select); the canonical splice donor site of the intron after coding-DNA position 1562, T replaced by G.
Molecular consequence: splice donor variant. On other transcripts: non-coding transcript variant (1), intron variant (3).
Genome position (GRCh38, 1-based): chr4:169,555,718, A>C on the plus strand (T>G on the coding strand, the complement: NEK1 is on the minus strand). VCF-style: chr4-169555718-A-C. GRCh37 (hg19) VCF-style: chr4-170476869-A-C.
Other names: c.1436+2T>G (NM_001374421.1); c.1511+2T>G (NM_001374420.1); c.1355+214T>G (NM_001199399.3); c.1430+214T>G (NM_001199398.3, NM_001199400.3); c.1562+2T>G (NM_001374419.1, NM_012224.4, NM_001374418.1).
Identifiers: ClinVar variation 1932371 (VCV001932371.5), dbSNP rs1360145032, ClinGen allele CA358733542.